The following is an entry in ClinVar:

NM_000391.4(TPP1):c.819del (p.Ser274fs)

Gene: TPP1 (tripeptidyl peptidase 1; minus strand). Cytogenetic location: 11p15.4.
Variant type: Deletion.
Coding change: c.819del on transcript NM_000391.4 (MANE Select); coding-DNA position 819, one base deleted (C; older notation c.819delC).
Protein change: p.Ser274fs; shifts the reading frame from serine 274.
Molecular consequence: frameshift variant.
Genome position (GRCh38, 1-based): chr11:6,616,728, G deleted on the plus strand (C on the coding strand, the reverse complement: TPP1 is on the minus strand); the first of 2 consecutive G bases (chr11:6,616,728-6,616,729); deleting either gives the same sequence. VCF-style (leftmost placement, unchanged base first): chr11-6616727-TG-T. GRCh37 (hg19) VCF-style: chr11-6637958-TG-T.
Other names: c.819delC (NM_000391.3); c.819del (NM_000391.3); short protein forms S274fs.
Identifiers: ClinVar variation 371488 (VCV000371488.5), dbSNP rs1057517313, ClinGen allele CA16041514.

ClinVar aggregate classification (germline): Likely pathogenic. Review status: criteria provided, single submitter (1 of 4 stars). 2 submissions from 2 submitters: Likely pathogenic (1). 1 of the submissions does not count toward it. Last evaluated 2025-03-31.

Conditions:
Neuronal ceroid lipofuscinosis 2. Also called: JANSKY-BIELSCHOWSKY DISEASE NEURONAL CEROID LIPOFUSCINOSIS, LATE INFANTILE; TPP1-Related Neuronal Ceroid-Lipofuscinosis. Identifiers: Orphanet 168491, Orphanet 228349, Orphanet 79264, MedGen C1876161, MONDO:0008769, OMIM 204500.

Submissions (2):

Natera, Inc.
Classification: Likely pathogenic for Neuronal ceroid lipofuscinosis 2. Last evaluated: 2025-03-31. Review status: criteria provided, single submitter. Criteria: Natera Variant Classification Schema (03/2026). Collection method: clinical testing. Allele origin: germline.
Comment: The c.819del variant in TPP1 is a frameshift variant predicted to shift the reading frame beginning at codon 274 and leads to a stop codon 2 codons downstream. This variant is expected to result in nonsense mediated decay, truncation, or a dysfunctional protein product. This variant is rare in the general population with a frequency below the threshold expected for the associated phenotype(s). Given the available evidence, this variant is classified as Likely Pathogenic.

Counsyl
Classification: Likely pathogenic for Neuronal ceroid lipofuscinosis 2. Last evaluated: 2016-10-05. Review status: no assertion criteria provided. Collection method: clinical testing. Allele origin: unknown. Not counted in ClinVar's aggregate classification.